The following is an entry in ClinVar:

NM_002878.4(RAD51D):c.437T>G (p.Leu146Arg)

Genes: RAD51D (RAD51 paralog D; minus strand), RAD51L3-RFFL (RAD51L3-RFFL readthrough; minus strand). Cytogenetic location: 17q12.
Variant type: single nucleotide variant.
Coding change: c.437T>G on transcript NM_002878.4 (MANE Select); coding-DNA position 437, T replaced by G.
Protein change: p.Leu146Arg; replaces leucine 146 with arginine.
Molecular consequence: missense variant. On other transcripts: non-coding transcript variant (1), intron variant (1).
Genome position (GRCh38, 1-based): chr17:35,107,031, A>C on the plus strand (T>G on the coding strand, the complement: RAD51D is on the minus strand). VCF-style: chr17-35107031-A-C. GRCh37 (hg19) VCF-style: chr17-33434050-A-C.
Other names: c.497T>G, p.Leu166Arg (NM_001142571.2); c.145-550T>G (NM_133629.3); short protein forms L146R, L166R.
Identifiers: ClinVar variation 3663976 (VCV003663976.3).
Genomic context (GRCh38, chr17:35,107,031, plus strand): 5'-CAGCATCCTGCCCTTACCTGTTCCTCCTCATCCTGGGTTTTAGCCTGAAGCAGCTGGAGG[A>C]GGCGGGAAGCTGTCAGCCCTCCATTGGAATCTACATATAGGACGTTTTGCTGCAGGCCAT-3'
Protein context (NP_002869.3, residues 136-156): DSNGGLTASR[Leu146Arg]LQLLQAKTQD

ClinVar aggregate classification (germline): Uncertain significance. Review status: criteria provided, multiple submitters, no conflicts (2 of 4 stars). 2 submissions from 2 submitters: Uncertain significance (2). Last evaluated 2025-04-05.

Conditions:
Hereditary cancer-predisposing syndrome. Also called: Hereditary Cancer Syndrome; Tumor predisposition; Hereditary neoplastic syndrome; Neoplastic Syndromes, Hereditary. Identifiers: Orphanet 140162, MedGen C0027672, MeSH D009386, MONDO:0015356.
Breast-ovarian cancer, familial, susceptibility to, 4. Identifiers: Orphanet 145, MedGen C3280345, MONDO:0013669, OMIM 614291.

Submissions (2):

Ambry Genetics
Classification: Uncertain significance for Hereditary cancer-predisposing syndrome. Last evaluated: 2025-04-05. Review status: criteria provided, single submitter. Criteria: Ambry Variant Classification Scheme 2023. Collection method: clinical testing. Allele origin: germline.
Comment: The p.L146R variant (also known as c.437T>G), located in coding exon 5 of the RAD51D gene, results from a T to G substitution at nucleotide position 437. The leucine at codon 146 is replaced by arginine, an amino acid with dissimilar properties. This amino acid position is conserved. In addition, this alteration is predicted to be deleterious by in silico analysis. Based on the available evidence, the clinical significance of this variant remains unclear.

Labcorp Genetics (formerly Invitae), Labcorp
Classification: Uncertain significance for Breast-ovarian cancer, familial, susceptibility to, 4. Last evaluated: 2024-08-29. Review status: criteria provided, single submitter. Criteria: Invitae Variant Classification Sherloc (09022015). Collection method: clinical testing. Allele origin: germline.
Comment: This sequence change replaces leucine, which is neutral and non-polar, with arginine, which is basic and polar, at codon 146 of the RAD51D protein (p.Leu146Arg). This variant is not present in population databases (gnomAD no frequency). This variant has not been reported in the literature in individuals affected with RAD51D-related conditions. Invitae Evidence Modeling of protein sequence and biophysical properties (such as structural, functional, and spatial information, amino acid conservation, physicochemical variation, residue mobility, and thermodynamic stability) indicates that this missense variant is expected to disrupt RAD51D protein function with a positive predictive value of 80%. In summary, the available evidence is currently insufficient to determine the role of this variant in disease. Therefore, it has been classified as a Variant of Uncertain Significance.